The following is an entry in ClinVar:

NM_022095.4(ZNF335):c.826G>A (p.Ala276Thr)

Gene: ZNF335 (zinc finger protein 335; minus strand). Cytogenetic location: 20q13.12.
Variant type: single nucleotide variant.
Coding change: c.826G>A on transcript NM_022095.4 (MANE Select); coding-DNA position 826, G replaced by A.
Protein change: p.Ala276Thr; replaces alanine 276 with threonine.
Molecular consequence: missense variant.
Genome position (GRCh38, 1-based): chr20:45,967,623, C>T on the plus strand (G>A on the coding strand, the complement: ZNF335 is on the minus strand). VCF-style: chr20-45967623-C-T. GRCh37 (hg19) VCF-style: chr20-44596262-C-T.
Other names: short protein forms A276T.
Identifiers: ClinVar variation 130809 (VCV000130809.55), dbSNP rs117802609, ClinGen allele CA156101.

ClinVar aggregate classification (germline): Benign/Likely benign. Review status: criteria provided, multiple submitters, no conflicts (2 of 4 stars). 8 submissions from 8 submitters: Benign (3); Likely benign (5). Last evaluated 2026-06-01.

Conditions:
Microcephalic primordial dwarfism due to ZNF335 deficiency. Also called: Primary autosomal recessive microcephaly 10. Identifiers: Orphanet 329228, MedGen C3554499, MONDO:0014043, OMIM 615095.

Allele frequency attached by ClinVar (database versions not stated): 1000 Genomes Project 0.00180; 1000 Genomes Project 30x 0.00203; gnomAD 0.00417; TOPMed 0.00468; gnomAD exomes 0.00476; ExAC 0.00488; ESP Exome Variant Server 0.00592.
gnomAD v4.1: 10,401 of 1,613,918 alleles (0.64%); highest among the groups gnomAD compares: Middle Eastern, 0.89%; 50 homozygotes.

Submissions (8):

CeGaT Center for Human Genetics Tuebingen
Classification: Likely benign. Last evaluated: 2026-06-01. Review status: criteria provided, single submitter. Criteria: CeGaT Center For Human Genetics Tuebingen Variant Classification Criteria Version 2. Collection method: clinical testing. Allele origin: germline. Affected: yes. Observed: 10 variant alleles.
Comment: ZNF335: BP4, BS2

Labcorp Genetics (formerly Invitae), Labcorp
Classification: Benign. Last evaluated: 2026-02-01. Review status: criteria provided, single submitter. Criteria: Invitae Variant Classification Sherloc (09022015). Collection method: clinical testing. Allele origin: germline.

Genome-Nilou Lab
Classification: Benign for Microcephalic primordial dwarfism due to ZNF335 deficiency. Last evaluated: 2021-12-05. Review status: criteria provided, single submitter. Criteria: ACMG Guidelines, 2015. Collection method: clinical testing. Allele origin: germline. Affected: no.

GeneDx
Classification: Benign. Last evaluated: 2020-04-06. Review status: criteria provided, single submitter. Criteria: GeneDx Variant Classification Process June 2021. Collection method: clinical testing. Allele origin: germline. Affected: yes.

Center for Pediatric Genomic Medicine, Children's Mercy Hospital and Clinics
Classification: Likely benign. Last evaluated: 2016-10-10. Review status: criteria provided, single submitter. Criteria: ACMG Guidelines, 2015. Collection method: clinical testing. Allele origin: germline.
ClinVar note: Converted during submission from Likely Benign to Likely benign.

Eurofins Ntd Llc (ga)
Classification: Likely benign. Last evaluated: 2016-07-22. Review status: criteria provided, single submitter. Criteria: EGL Classification Definitions 2015. Collection method: clinical testing. Allele origin: germline. Observed: 1 variant allele, 1 heterozygote.

Genetic Services Laboratory, University of Chicago
Classification: Likely benign. Last evaluated: 2015-04-07. Review status: criteria provided, single submitter. Criteria: ACMG Guidelines, 2015. Collection method: clinical testing. Allele origin: germline.

Breakthrough Genomics
Classification: Likely benign. Review status: criteria provided, single submitter. Criteria: ACMG Guidelines, 2015. Collection method: not provided. Allele origin: germline. Inheritance: Autosomal recessive inheritance. Affected: yes.